The following is an entry in ClinVar:

ClinVar aggregate classification (germline): Uncertain significance. Review status: criteria provided, multiple submitters, no conflicts (2 of 4 stars). 4 submissions from 4 submitters: Uncertain significance (3). 1 of the submissions does not count toward it. Last evaluated 2024-10-23.

Conditions:
ABCC2-related disorder. Also called: ABCC2-related condition.
Dubin-Johnson syndrome (DJS). Also called: Jaundice, Chronic Idiopathic; Hyperbilirubinemia type 2; HYPERBILIRUBINEMIA, DUBIN-JOHNSON TYPE. Identifiers: Orphanet 234, MedGen C0022350, MONDO:0009380, OMIM 237500.

Allele frequency attached by ClinVar (database versions not stated): gnomAD exomes 0.00007 and 0.00018; ExAC 0.00008; gnomAD 0.00010 and 0.00011; TOPMed 0.00010; ESP Exome Variant Server 0.00023.

Submissions (4):

Mayo Clinic Laboratories, Mayo Clinic
Classification: Uncertain significance. Last evaluated: 2024-10-23. Review status: criteria provided, single submitter. Criteria: ACMG Guidelines, 2015. Collection method: clinical testing. Allele origin: germline. Observed: 1 variant allele.
Comment: BP4, PM2_supporting

Labcorp Genetics (formerly Invitae), Labcorp
Classification: Uncertain significance. Last evaluated: 2022-10-14. Review status: criteria provided, single submitter. Criteria: Invitae Variant Classification Sherloc (09022015). Collection method: clinical testing. Allele origin: germline.
Comment: This sequence change replaces proline, which is neutral and non-polar, with leucine, which is neutral and non-polar, at codon 19 of the ABCC2 protein (p.Pro19Leu). This variant is present in population databases (rs141278106, gnomAD 0.02%). This variant has not been reported in the literature in individuals affected with ABCC2-related conditions. ClinVar contains an entry for this variant (Variation ID: 877757). Advanced modeling of protein sequence and biophysical properties (such as structural, functional, and spatial information, amino acid conservation, physicochemical variation, residue mobility, and thermodynamic stability) performed at Invitae indicates that this missense variant is not expected to disrupt ABCC2 protein function. In summary, the available evidence is currently insufficient to determine the role of this variant in disease. Therefore, it has been classified as a Variant of Uncertain Significance.

Illumina Laboratory Services, Illumina
Classification: Uncertain significance for Dubin-Johnson syndrome. Last evaluated: 2018-01-12. Review status: criteria provided, single submitter. Criteria: ICSL Variant Classification Criteria 13 December 2019. Collection method: clinical testing. Allele origin: germline.

PreventionGenetics, part of Exact Sciences
Classification: Uncertain significance for ABCC2-related condition. Last evaluated: 2023-12-18. Review status: no assertion criteria provided. Collection method: clinical testing. Allele origin: germline. Not counted in ClinVar's aggregate classification.
Comment: The ABCC2 c.56C>T variant is predicted to result in the amino acid substitution p.Pro19Leu. To our knowledge, this variant has not been reported in the literature. This variant is reported in 0.018% of alleles in individuals of European (Non-Finnish) descent in gnomAD. At this time, the clinical significance of this variant is uncertain due to the absence of conclusive functional and genetic evidence.

Literature cited by the submitters: PubMed 11901087 (cited by Mayo Clinic Laboratories, Mayo Clinic); PubMed 16847695 (cited by Mayo Clinic Laboratories, Mayo Clinic).

NM_000392.5(ABCC2):c.56C>T (p.Pro19Leu)

Genes: ABCC2 (ATP binding cassette subfamily C member 2; plus strand), LOC108281165 (MED14-independent group 3 enhancer GRCh37_chr10:101544125-101545324; plus strand). Cytogenetic location: 10q24.2.
Variant type: single nucleotide variant.
Coding change: c.56C>T on transcript NM_000392.5 (MANE Select); coding-DNA position 56, C replaced by T.
Protein change: p.Pro19Leu; replaces proline 19 with leucine.
Molecular consequence: missense variant.
Genome position (GRCh38, 1-based): chr10:99,784,630, C>T. VCF-style: chr10-99784630-C-T. GRCh37 (hg19) VCF-style: chr10-101544387-C-T.
Other names: p.Pro19Leu; c.56C>T (NM_000392.4); short protein forms P19L.
Identifiers: ClinVar variation 877757 (VCV000877757.11), dbSNP rs141278106, ClinGen allele CA5642767.
Genomic context (GRCh38, chr10:99,784,630, plus strand): 5'-ATGCATGTATGCAACAATCCTTCCCCTTTGGTCTCCAGAATTCCTCATTCCTGGACAGTC[C>T]GGAGGCAGACCTGCCACTTTGTTTTGAGCAAACTGTTCTGGTGTGGATTCCCTTGGGCTA-3'
Protein context (NP_000383.2, residues 9-29): TFWNSSFLDS[Pro19Leu]EADLPLCFEQ